The following is an entry in ClinVar:

ClinVar aggregate classification (germline): Uncertain significance (1 of 4 stars; one submission).

Submission:

GeneDx
Classification: Uncertain significance. Last evaluated: 2025-06-20. Review status: criteria provided, single submitter. Criteria: GeneDx Variant Classification Process June 2021. Collection method: clinical testing. Allele origin: germline. Affected: yes.
Comment: Not observed at significant frequency in large population cohorts (gnomAD); In silico analysis supports that this missense variant has a deleterious effect on protein structure/function; Has not been previously published as pathogenic or benign to our knowledge

NM_001110219.3(GJB6):c.48C>G (p.His16Gln)

Gene: GJB6 (gap junction protein beta 6; minus strand). Cytogenetic location: 13q12.11.
Variant type: single nucleotide variant.
Coding change: c.48C>G on transcript NM_001110219.3 (MANE Select); coding-DNA position 48, C replaced by G.
Protein change: p.His16Gln; replaces histidine 16 with glutamine.
Molecular consequence: missense variant.
Genome position (GRCh38, 1-based): chr13:20,223,433, G>C on the plus strand (C>G on the coding strand, the complement: GJB6 is on the minus strand). VCF-style: chr13-20223433-G-C. GRCh37 (hg19) VCF-style: chr13-20797572-G-C.
Other names: c.48C>G, p.His16Gln (NM_001110220.3, NM_001110221.3, NM_001370090.1 and 3 more transcripts); short protein forms H16Q.
Identifiers: ClinVar variation 4540139 (VCV004540139.1).